The following is an entry in ClinVar:

NM_001005242.3(PKP2):c.2411G>A (p.Trp804Ter)

Gene: PKP2 (plakophilin 2; minus strand). Cytogenetic location: 12p11.21.
Variant type: single nucleotide variant.
Coding change: c.2411G>A on transcript NM_001005242.3 (MANE Select); coding-DNA position 2411, G replaced by A.
Protein change: p.Trp804Ter; replaces tryptophan 804 with a stop codon.
Molecular consequence: nonsense. On other transcripts: missense variant (2).
Genome position (GRCh38, 1-based): chr12:32,792,678, C>T on the plus strand (G>A on the coding strand, the complement: PKP2 is on the minus strand). VCF-style: chr12-32792678-C-T. GRCh37 (hg19) VCF-style: chr12-32945612-C-T.
Other names: c.2221G>A, p.Gly741Arg (NM_001407155.1); c.2246G>A, p.Trp749Ter (NM_001407156.1); c.2084G>A, p.Trp695Ter (NM_001407158.1, NM_001407159.1); c.1894G>A, p.Gly632Arg (NM_001407160.1); c.2543G>A, p.Trp848Ter (NM_004572.4); short protein forms G632R, G741R, W695*, W749*, W804*, W848*.
Identifiers: ClinVar variation 3338738 (VCV003338738.1).

ClinVar aggregate classification (germline): Likely pathogenic (1 of 4 stars; one submission).

Submission:

GeneDx
Classification: Likely pathogenic. Last evaluated: 2023-10-18. Review status: criteria provided, single submitter. Criteria: GeneDx Variant Classification Process June 2021. Collection method: clinical testing. Allele origin: germline. Affected: yes.
Comment: Nonsense variant predicted to result in protein truncation, as the last 34 amino acids are lost, and other loss-of-function variants have been reported downstream in HGMD; Not observed at significant frequency in large population cohorts (gnomAD); Has not been previously published as pathogenic or benign to our knowledge